The following is an entry in ClinVar:

NM_000186.4(CFH):c.879G>A (p.Gln293=)

Gene: CFH (complement factor H; plus strand). Cytogenetic location: 1q31.3.
Variant type: single nucleotide variant.
Coding change: c.879G>A on transcript NM_000186.4 (MANE Select); coding-DNA position 879, G replaced by A.
Protein change: p.Gln293=; no amino-acid change (glutamine 293 retained).
Molecular consequence: synonymous variant.
Genome position (GRCh38, 1-based): chr1:196,685,152, G>A. VCF-style: chr1-196685152-G-A. GRCh37 (hg19) VCF-style: chr1-196654282-G-A.
Other names: c.879G>A, p.Gln293= (NM_001014975.3).
Identifiers: ClinVar variation 875038 (VCV000875038.4), dbSNP rs769615121, ClinGen allele CA1305189.

ClinVar aggregate classification (germline): Conflicting classifications of pathogenicity. Review status: criteria provided, conflicting classifications (1 of 4 stars). 4 submissions from 1 submitter: Uncertain significance (3); Benign (1). Last evaluated 2018-01-12.

Conditions:
Basal laminar drusen. Also called: DRUSEN OF BRUCH MEMBRANE; DRUSEN, CUTICULAR; DRUSEN, EARLY ADULT-ONSET, GROUPED. Identifiers: Orphanet 75376, MedGen C0730295, MONDO:0007472, OMIM 126700.
Age related macular degeneration 4. Identifiers: MedGen C1853147, MONDO:0012540, OMIM 610698.
CFH-Related Dense Deposit Disease / Membranoproliferative Glomerulonephritis Type II. Identifiers: MedGen CN071292.
Hemolytic uremic syndrome, atypical, susceptibility to, 1. Also called: AHUS, SUSCEPTIBILITY TO, 1. Identifiers: Orphanet 2134, Orphanet 90038, MedGen C2749604, MONDO:0009335, OMIM 235400. Disease mechanism: Other.

Allele frequency attached by ClinVar (database versions not stated): gnomAD exomes 0.00001; ExAC 0.00002; TOPMed 0.00002.
gnomAD v4.1: 5 of 1,612,908 alleles (0.00031%); highest among the groups gnomAD compares: East Asian, 0.0089%; no homozygotes.

Submissions (4):

Illumina Laboratory Services, Illumina
Classification: Uncertain significance for Membranoproliferative glomerulonephritis with complement factor h deficiency. Last evaluated: 2018-01-12. Review status: criteria provided, single submitter. Criteria: ICSL Variant Classification Criteria 13 December 2019. Collection method: clinical testing. Allele origin: germline.

Illumina Laboratory Services, Illumina
Classification: Benign for Hemolytic uremic syndrome, atypical, susceptibility to, 1. Last evaluated: 2018-01-12. Review status: criteria provided, single submitter. Criteria: ICSL Variant Classification Criteria 13 December 2019. Collection method: clinical testing. Allele origin: germline.
Comment: This variant was observed in the ICSL laboratory as part of a predisposition screen in an ostensibly healthy population. It had not been previously curated by ICSL or reported in the Human Gene Mutation Database (HGMD: prior to June 1st, 2018), and was therefore a candidate for classification through an automated scoring system. Utilizing variant allele frequency, disease prevalence and penetrance estimates, and inheritance mode, an automated score was calculated to assess if this variant is too frequent to cause the disease. Based on the score and internal cut-off values, a variant classified as benign is not then subjected to further curation. The score for this variant resulted in a classification of benign for this disease.

Illumina Laboratory Services, Illumina
Classification: Uncertain significance for Basal laminar drusen. Last evaluated: 2018-01-12. Review status: criteria provided, single submitter. Criteria: ICSL Variant Classification Criteria 13 December 2019. Collection method: clinical testing. Allele origin: germline.

Illumina Laboratory Services, Illumina
Classification: Uncertain significance for Age related macular degeneration 4. Last evaluated: 2018-01-12. Review status: criteria provided, single submitter. Criteria: ICSL Variant Classification Criteria 13 December 2019. Collection method: clinical testing. Allele origin: germline.